The following is an entry in ClinVar:

NM_001018113.3(FANCB):c.610G>T (p.Asp204Tyr)

Gene: FANCB (FA complementation group B; minus strand). Cytogenetic location: Xp22.2.
Variant type: single nucleotide variant.
Coding change: c.610G>T on transcript NM_001018113.3 (MANE Select); coding-DNA position 610, G replaced by T.
Protein change: p.Asp204Tyr; replaces aspartic acid 204 with tyrosine.
Molecular consequence: missense variant.
Genome position (GRCh38, 1-based): chrX:14,864,901, C>A on the plus strand (G>T on the coding strand, the complement: FANCB is on the minus strand). VCF-style: chrX-14864901-C-A. GRCh37 (hg19) VCF-style: chrX-14883023-C-A.
Other names: c.610G>T, p.Asp204Tyr (NM_001324162.2, NM_001410764.1, NM_152633.4); short protein forms D204Y.
Identifiers: ClinVar variation 2857687 (VCV002857687.3), dbSNP rs2519010830, ClinGen allele CA412444113.
Genomic context (GRCh38, chrX:14,864,901, plus strand): 5'-TTAATACTTCTTGACTTTCAAGAGAATATACACAAAATTTGGTATTCCAAATTGCATAAT[C>A]TGATTTTGAAGGCTCTTGAGTACATTCTTCCTCAGATAAACAACATTCCTTTAGTCCCAA-3'
Protein context (NP_001018123.1, residues 194-214): EECTQEPSKS[Asp204Tyr]YAIWNTKFCV

ClinVar aggregate classification (germline): Uncertain significance (1 of 4 stars; one submission).

Conditions:
Fanconi anemia (FA). Also called: Fanconi's anemia. Identifiers: Orphanet 84, MedGen C0015625, MeSH D005199, MONDO:0019391.

Submission:

Labcorp Genetics (formerly Invitae), Labcorp
Classification: Uncertain significance for Fanconi anemia. Last evaluated: 2023-04-20. Review status: criteria provided, single submitter. Criteria: Invitae Variant Classification Sherloc (09022015). Collection method: clinical testing. Allele origin: germline.
Comment: This sequence change replaces aspartic acid, which is acidic and polar, with tyrosine, which is neutral and polar, at codon 204 of the FANCB protein (p.Asp204Tyr). This variant is not present in population databases (gnomAD no frequency). This variant has not been reported in the literature in individuals affected with FANCB-related conditions. Algorithms developed to predict the effect of missense changes on protein structure and function output the following: SIFT: "Not Available"; PolyPhen-2: "Benign"; Align-GVGD: "Not Available". The tyrosine amino acid residue is found in multiple mammalian species, which suggests that this missense change does not adversely affect protein function. In summary, the available evidence is currently insufficient to determine the role of this variant in disease. Therefore, it has been classified as a Variant of Uncertain Significance.